The following is an entry in ClinVar:

NM_001190274.2(FBXO11):c.477G>A (p.Leu159=)

Gene: FBXO11 (F-box protein 11; minus strand). Cytogenetic location: 2p16.3.
Variant type: single nucleotide variant.
Coding change: c.477G>A on transcript NM_001190274.2 (MANE Select); coding-DNA position 477, G replaced by A.
Protein change: p.Leu159=; no amino-acid change (leucine 159 retained).
Molecular consequence: synonymous variant.
Genome position (GRCh38, 1-based): chr2:47,838,969, C>T on the plus strand (G>A on the coding strand, the complement: FBXO11 is on the minus strand). VCF-style: chr2-47838969-C-T. GRCh37 (hg19) VCF-style: chr2-48066108-C-T.
Other names: c.225G>A, p.Leu75= (NM_001374325.1, NM_025133.4).
Identifiers: ClinVar variation 1641612 (VCV001641612.15), dbSNP rs376598500, ClinGen allele CA1650112.

ClinVar aggregate classification (germline): Likely benign. Review status: criteria provided, multiple submitters, no conflicts (2 of 4 stars). 2 submissions from 2 submitters: Likely benign (2). Last evaluated 2025-03-01.

Allele frequency attached by ClinVar (database versions not stated): ExAC 0.00001; gnomAD 0.00007; ESP Exome Variant Server 0.00008.
gnomAD v4.1: 22 of 1,613,862 alleles (0.0014%); highest among the groups gnomAD compares: African/African-American, 0.019%; no homozygotes.

Submissions (2):

CeGaT Center for Human Genetics Tuebingen
Classification: Likely benign. Last evaluated: 2025-03-01. Review status: criteria provided, single submitter. Criteria: CeGaT Center For Human Genetics Tuebingen Variant Classification Criteria Version 2. Collection method: clinical testing. Allele origin: germline. Affected: yes. Observed: 1 variant allele.
Comment: FBXO11: BP4, BP7

Labcorp Genetics (formerly Invitae), Labcorp
Classification: Likely benign. Last evaluated: 2024-05-27. Review status: criteria provided, single submitter. Criteria: Invitae Variant Classification Sherloc (09022015). Collection method: clinical testing. Allele origin: germline.